The following is an entry in ClinVar:

NM_017654.4(SAMD9):c.689G>C (p.Arg230Pro)

Gene: SAMD9 (sterile alpha motif domain containing 9; minus strand). Cytogenetic location: 7q21.2.
Variant type: single nucleotide variant.
Coding change: c.689G>C on transcript NM_017654.4 (MANE Select); coding-DNA position 689, G replaced by C.
Protein change: p.Arg230Pro; replaces arginine 230 with proline.
Molecular consequence: missense variant.
Genome position (GRCh38, 1-based): chr7:93,105,409, C>G on the plus strand (G>C on the coding strand, the complement: SAMD9 is on the minus strand). VCF-style: chr7-93105409-C-G. GRCh37 (hg19) VCF-style: chr7-92734722-C-G.
Other names: c.689G>C, p.Arg230Pro (NM_001193307.2); short protein forms R230P.
Identifiers: ClinVar variation 3600854 (VCV003600854.1).

ClinVar aggregate classification (germline): Uncertain significance (1 of 4 stars; one submission).

Submission:

GeneDx
Classification: Uncertain significance. Last evaluated: 2024-07-23. Review status: criteria provided, single submitter. Criteria: GeneDx Variant Classification Process June 2021. Collection method: clinical testing. Allele origin: germline. Affected: yes.
Comment: In silico analysis supports that this missense variant has a deleterious effect on protein structure/function; Not observed at significant frequency in large population cohorts (gnomAD); Has not been previously published as pathogenic or benign to our knowledge; This variant is associated with the following publications: (PMID: 28545555)